The following is an entry in ClinVar:

ClinVar aggregate classification (germline): Benign (1 of 4 stars; one submission).

Allele frequency attached by ClinVar (database versions not stated): 1000 Genomes Project 0.13199; 1000 Genomes Project 30x 0.13757; gnomAD 0.15379; gnomAD exomes 0.15729; TOPMed 0.16598.
gnomAD v4.1: 190,909 of 1,216,760 alleles (16%); highest among the groups gnomAD compares: Admixed American, 28%; 16,508 homozygotes.

Submission:

Unidad de Genómica Garrahan, Hospital de Pediatría Garrahan
Classification: Benign. Last evaluated: 2023-11-12. Review status: criteria provided, single submitter. Criteria: ACMG Guidelines, 2015. Collection method: clinical testing. Allele origin: germline. Affected: no. Observed: 40 variant alleles.
Comment: This variant is classified as Benign based on local population frequency. This variant was detected in 42% of patients studied by a panel of primary immunodeficiencies. Number of patients: 40. Only high quality variants are reported.

NM_000417.3(IL2RA):c.795-92G>A

Gene: IL2RA (interleukin 2 receptor subunit alpha; minus strand). Cytogenetic location: 10p15.1.
Variant type: single nucleotide variant.
Coding change: c.795-92G>A on transcript NM_000417.3 (MANE Select); 92 bases into the intron before coding-DNA position 795, G replaced by A.
Molecular consequence: intron variant.
Genome position (GRCh38, 1-based): chr10:6,012,988, C>T on the plus strand (G>A on the coding strand, the complement: IL2RA is on the minus strand). VCF-style: chr10-6012988-C-T. GRCh37 (hg19) VCF-style: chr10-6054951-C-T.
Other names: c.507-92G>A (NM_001308243.2); c.579-92G>A (NM_001308242.2).
Identifiers: ClinVar variation 2628204 (VCV002628204.2), dbSNP rs7076103, ClinGen allele CA13141347.